The following is an entry in ClinVar:

ClinVar aggregate classification (germline): Uncertain significance. Review status: criteria provided, multiple submitters, no conflicts (2 of 4 stars). 3 submissions from 3 submitters: Uncertain significance (2). 1 of the submissions does not count toward it. Last evaluated 2018-01-13.

Conditions:
WDR62-related disorder. Also called: WDR62-related condition.
Microcephaly 2, primary, autosomal recessive, with or without cortical malformations. Also called: MICROCEPHALY 2, PRIMARY, AUTOSOMAL RECESSIVE, WITH CORTICAL MALFORMATIONS; WDR62 Primary Microcephaly. Identifiers: Orphanet 2512, MedGen C1858535, MONDO:0011435, OMIM 604317.

Allele frequency attached by ClinVar (database versions not stated): gnomAD exomes 0.00001 and 0.00003; ExAC 0.00002; gnomAD 0.00004 and 0.00003; TOPMed 0.00002.
gnomAD v4.1: 54 of 1,613,408 alleles (0.0033%); highest among the groups gnomAD compares: Non-Finnish European, 0.0044%; no homozygotes.

Submissions (3):

Illumina Laboratory Services, Illumina
Classification: Uncertain significance for Microcephaly 2, primary, autosomal recessive, with or without cortical malformations. Last evaluated: 2018-01-13. Review status: criteria provided, single submitter. Criteria: ICSL Variant Classification Criteria 13 December 2019. Collection method: clinical testing. Allele origin: germline.

Genetic Services Laboratory, University of Chicago
Classification: Uncertain significance for Microcephaly 2, primary, autosomal recessive, with or without cortical malformations. Last evaluated: 2013-12-13. Review status: criteria provided, single submitter. Criteria: ACMG Guidelines, 2007. Collection method: clinical testing. Allele origin: germline. Inheritance: Autosomal recessive inheritance.

PreventionGenetics, part of Exact Sciences
Classification: Likely benign for WDR62-related condition. Last evaluated: 2019-09-23. Review status: no assertion criteria provided. Collection method: clinical testing. Allele origin: germline. Not counted in ClinVar's aggregate classification.
Comment: This variant is classified as likely benign based on ACMG/AMP sequence variant interpretation guidelines (Richards et al. 2015 PMID: 25741868, with internal and published modifications).

NM_001083961.2(WDR62):c.2490C>T (p.Asn830=)

Gene: WDR62 (WD repeat domain 62; plus strand). Cytogenetic location: 19q13.12.
Variant type: single nucleotide variant.
Coding change: c.2490C>T on transcript NM_001083961.2 (MANE Select); coding-DNA position 2490, C replaced by T.
Protein change: p.Asn830=; no amino-acid change (asparagine 830 retained).
Molecular consequence: synonymous variant.
Genome position (GRCh38, 1-based): chr19:36,097,049, C>T. VCF-style: chr19-36097049-C-T. GRCh37 (hg19) VCF-style: chr19-36587951-C-T.
Other names: c.2490C>T, p.Asn830= (NM_173636.5).
Identifiers: ClinVar variation 160267 (VCV000160267.11), dbSNP rs587784547, ClinGen allele CA272767.